The following is an entry in ClinVar:

ClinVar aggregate classification (germline): Benign/Likely benign. Review status: criteria provided, multiple submitters, no conflicts (2 of 4 stars). 4 submissions from 4 submitters: Benign (2); Likely benign (1). 1 of the submissions does not count toward it. Last evaluated 2018-01-13.

Conditions:
Nemaline myopathy 5 (NEM5A). Also called: NEMALINE MYOPATHY, AMISH TYPE; Nemaline myopathy 5, Amish type; NEMALINE MYOPATHY 5A, AUTOSOMAL RECESSIVE, SEVERE INFANTILE. Identifiers: Orphanet 98902, MedGen C1854380, MONDO:0011539, OMIM 605355.

Allele frequency attached by ClinVar (database versions not stated): TOPMed 0.84108; gnomAD 0.84759 and 0.84878; gnomAD exomes 0.85329 and 0.86386; 1000 Genomes Project 30x 0.80918; 1000 Genomes Project 0.81010; ExAC 0.83146.
gnomAD v4.1: 391,255 of 456,052 alleles (86%); highest among the groups gnomAD compares: Admixed American, 89%; 168,381 homozygotes.

Submissions (4):

Illumina Laboratory Services, Illumina
Classification: Benign for Nemaline myopathy 5. Last evaluated: 2018-01-13. Review status: criteria provided, single submitter. Criteria: ICSL Variant Classification Criteria 13 December 2019. Collection method: clinical testing. Allele origin: germline.
Comment: This variant was observed in the ICSL laboratory as part of a predisposition screen in an ostensibly healthy population. It had not been previously curated by ICSL or reported in the Human Gene Mutation Database (HGMD: prior to June 1st, 2018), and was therefore a candidate for classification through an automated scoring system. Utilizing variant allele frequency, disease prevalence and penetrance estimates, and inheritance mode, an automated score was calculated to assess if this variant is too frequent to cause the disease. Based on the score and internal cut-off values, a variant classified as benign is not then subjected to further curation. The score for this variant resulted in a classification of benign for this disease.

GeneDx
Classification: Benign. Last evaluated: 2016-01-25. Review status: criteria provided, single submitter. Criteria: GeneDx Variant Classification (06012015). Collection method: clinical testing. Allele origin: germline. Affected: yes.
Comment: This variant is considered likely benign or benign based on one or more of the following criteria: it is a conservative change, it occurs at a poorly conserved position in the protein, it is predicted to be benign by multiple in silico algorithms, and/or has population frequency not consistent with disease.

Breakthrough Genomics
Classification: Likely benign. Review status: criteria provided, single submitter. Criteria: ACMG Guidelines, 2015. Collection method: not provided. Allele origin: germline. Inheritance: Autosomal recessive inheritance. Affected: yes.

Leiden Muscular Dystrophy (TNNT1)
No classification provided. Last evaluated: 2012-03-18. Review status: no classification provided. Collection method: curation. Allele origin: germline. Not counted in ClinVar's aggregate classification.

NM_003283.6(TNNT1):c.-20A>G

Gene: TNNT1 (troponin T1, slow skeletal type; minus strand). Cytogenetic location: 19q13.42.
Variant type: single nucleotide variant.
Coding change: c.-20A>G on transcript NM_003283.6 (MANE Select); 20 bases upstream of the start codon, A replaced by G.
Molecular consequence: 5 prime UTR variant.
Genome position (GRCh38, 1-based): chr19:55,149,169, T>C on the plus strand (A>G on the coding strand, the complement: TNNT1 is on the minus strand). VCF-style: chr19-55149169-T-C. GRCh37 (hg19) VCF-style: chr19-55660537-T-C.
Other names: c.-20A>G (NM_001126132.3, NM_001126133.3); c.-115A>G (NM_001291774.2).
Identifiers: ClinVar variation 31855 (VCV000031855.8), dbSNP rs9636153, ClinGen allele CA215412.